The following is an entry in ClinVar:

ClinVar aggregate classification (germline): Uncertain significance. Review status: criteria provided, multiple submitters, no conflicts (2 of 4 stars). 2 submissions from 2 submitters: Uncertain significance (2). Last evaluated 2025-10-21.

Conditions:
Inborn genetic diseases. Identifiers: MedGen C0950123, MeSH D030342.

Allele frequency attached by ClinVar (database versions not stated): TOPMed 0.00001; gnomAD 0.00005.

Submissions (2):

Labcorp Genetics (formerly Invitae), Labcorp
Classification: Uncertain significance. Last evaluated: 2025-10-21. Review status: criteria provided, single submitter. Criteria: Invitae Variant Classification Sherloc (09022015). Collection method: clinical testing. Allele origin: germline.
Comment: This sequence change replaces proline, which is neutral and non-polar, with serine, which is neutral and polar, at codon 666 of the CLCN2 protein (p.Pro666Ser). This variant is present in population databases (rs770165017, gnomAD 0.01%). This variant has not been reported in the literature in individuals affected with CLCN2-related conditions. ClinVar contains an entry for this variant (Variation ID: 1413664). Invitae Evidence Modeling of protein sequence and biophysical properties (such as structural, functional, and spatial information, amino acid conservation, physicochemical variation, residue mobility, and thermodynamic stability) indicates that this missense variant is not expected to disrupt CLCN2 protein function with a negative predictive value of 80%. In summary, the available evidence is currently insufficient to determine the role of this variant in disease. Therefore, it has been classified as a Variant of Uncertain Significance.

Ambry Genetics
Classification: Uncertain significance for Inborn genetic diseases. Last evaluated: 2025-08-14. Review status: criteria provided, single submitter. Criteria: Ambry Variant Classification Scheme 2023. Collection method: clinical testing. Allele origin: germline.

NM_004366.6(CLCN2):c.1996C>T (p.Pro666Ser)

Gene: CLCN2 (chloride voltage-gated channel 2; minus strand). Cytogenetic location: 3q27.1.
Variant type: single nucleotide variant.
Coding change: c.1996C>T on transcript NM_004366.6 (MANE Select); coding-DNA position 1996, C replaced by T.
Protein change: p.Pro666Ser; replaces proline 666 with serine.
Molecular consequence: missense variant.
Genome position (GRCh38, 1-based): chr3:184,353,282, G>A on the plus strand (C>T on the coding strand, the complement: CLCN2 is on the minus strand). VCF-style: chr3-184353282-G-A. GRCh37 (hg19) VCF-style: chr3-184071070-G-A.
Other names: c.1945C>T, p.Pro649Ser (NM_001171087.3); c.1864C>T, p.Pro622Ser (NM_001171088.3); c.1996C>T, p.Pro666Ser (NM_001171089.3); c.1996C>T (NM_004366.4); short protein forms P649S, P666S, P622S.
Identifiers: ClinVar variation 1413664 (VCV001413664.7), dbSNP rs770165017, ClinGen allele CA2733913.
Genomic context (GRCh38, chr3:184,353,282, plus strand): 5'-AGGAAGCGTTTGTGGCTTTTCCCCTCACCTGGAAGCAGACAGAAGCCTCAGGGGTAGGGG[G>A]ACCCTCCTGATCAGATAGTGGAGAGGTCTGGGTGGCTCTGCGCTCCTGCATGTGCTGCCG-3'
Protein context (NP_004357.3, residues 656-676): QTSPLSDQEG[Pro666Ser]PTPEASVCFQ